The following is an entry in ClinVar:

NM_005359.5:c.(904+1_905-1)_(955+1_956-1)del

Gene: SMAD4 (SMAD family member 4; plus strand).
Variant type: Deletion.
Identifiers: ClinVar variation 3895336 (VCV003895336.1).

ClinVar aggregate classification (germline): Uncertain significance (1 of 4 stars; one submission).

Conditions:
Cardiovascular phenotype. Identifiers: MedGen CN230736.

Submission:

Molecular Diagnostic Laboratory for Inherited Cardiovascular Disease, Montreal Heart Institute
Classification: Uncertain significance for Cardiovascular phenotype. Last evaluated: 2025-04-09. Review status: criteria provided, single submitter. Criteria: ACMG Guidelines, 2015. Collection method: clinical testing. Allele origin: germline. Affected: yes.
Comment: PVS1_mod, PM2